The following is an entry in ClinVar:

ClinVar aggregate classification (germline): Uncertain significance (1 of 4 stars; one submission).

Conditions:
Infantile spasms. Also called: Infantile spasm. Identifiers: MedGen C3887898, HP:0012469.

Submission:

Labcorp Genetics (formerly Invitae), Labcorp
Classification: Uncertain significance for Infantile spasms. Last evaluated: 2024-06-29. Review status: criteria provided, single submitter. Criteria: Invitae Variant Classification Sherloc (09022015). Collection method: clinical testing. Allele origin: germline.
Comment: This sequence change falls in intron 9 of the PIK3AP1 gene. It does not directly change the encoded amino acid sequence of the PIK3AP1 protein. It affects a nucleotide within the consensus splice site. This variant is not present in population databases (gnomAD no frequency). This variant has not been reported in the literature in individuals affected with PIK3AP1-related conditions. Variants that disrupt the consensus splice site are a relatively common cause of aberrant splicing (PMID: 17576681, 9536098). Algorithms developed to predict the effect of sequence changes on RNA splicing suggest that this variant is not likely to affect RNA splicing. In summary, the available evidence is currently insufficient to determine the role of this variant in disease. Therefore, it has been classified as a Variant of Uncertain Significance.

Literature cited by the submitters: PubMed 17576681; PubMed 9536098.

NM_152309.3(PIK3AP1):c.1472-3T>C

Gene: PIK3AP1 (phosphoinositide-3-kinase adaptor protein 1; minus strand). Cytogenetic location: 10q24.1.
Variant type: single nucleotide variant.
Coding change: c.1472-3T>C on transcript NM_152309.3 (MANE Select); 3 bases into the intron before coding-DNA position 1472, T replaced by C.
Molecular consequence: intron variant.
Genome position (GRCh38, 1-based): chr10:96,626,908, A>G on the plus strand (T>C on the coding strand, the complement: PIK3AP1 is on the minus strand). VCF-style: chr10-96626908-A-G. GRCh37 (hg19) VCF-style: chr10-98386665-A-G.
Identifiers: ClinVar variation 3711312 (VCV003711312.2).